The following is an entry in ClinVar:

NM_002949.4(MRPL12):c.16G>A (p.Ala6Thr)

Gene: MRPL12 (mitochondrial ribosomal protein L12; plus strand). Cytogenetic location: 17q25.3.
Variant type: single nucleotide variant.
Coding change: c.16G>A on transcript NM_002949.4 (MANE Select); coding-DNA position 16, G replaced by A.
Protein change: p.Ala6Thr; replaces alanine 6 with threonine.
Molecular consequence: missense variant.
Genome position (GRCh38, 1-based): chr17:81,703,517, G>A. VCF-style: chr17-81703517-G-A. GRCh37 (hg19) VCF-style: chr17-79670547-G-A.
Other names: short protein forms A6T.
Identifiers: ClinVar variation 3680154 (VCV003680154.2).

ClinVar aggregate classification (germline): Uncertain significance (1 of 4 stars; one submission).

Submission:

Labcorp Genetics (formerly Invitae), Labcorp
Classification: Uncertain significance. Last evaluated: 2024-06-26. Review status: criteria provided, single submitter. Criteria: Invitae Variant Classification Sherloc (09022015). Collection method: clinical testing. Allele origin: germline.
Comment: This sequence change replaces alanine, which is neutral and non-polar, with threonine, which is neutral and polar, at codon 6 of the MRPL12 protein (p.Ala6Thr). The frequency data for this variant in the population databases is considered unreliable, as metrics indicate poor data quality at this position in the gnomAD database. This variant has not been reported in the literature in individuals affected with MRPL12-related conditions. An algorithm developed to predict the effect of missense changes on protein structure and function (PolyPhen-2) suggests that this variant is likely to be tolerated. In summary, the available evidence is currently insufficient to determine the role of this variant in disease. Therefore, it has been classified as a Variant of Uncertain Significance.